The following is an entry in ClinVar:

NM_001368882.1(COL13A1):c.513+1G>T

Gene: COL13A1 (collagen type XIII alpha 1 chain; plus strand). Cytogenetic location: 10q22.1.
Variant type: single nucleotide variant.
Coding change: c.513+1G>T on transcript NM_001368882.1 (MANE Select); the canonical splice donor site of the intron after coding-DNA position 513, G replaced by T.
Molecular consequence: splice donor variant. On other transcripts: intron variant (5).
Genome position (GRCh38, 1-based): chr10:69,880,554, G>T. VCF-style: chr10-69880554-G-T. GRCh37 (hg19) VCF-style: chr10-71640310-G-T.
Other names: c.513+1G>T (NM_001320951.2, NM_001368884.1); c.486+1G>T (NM_001130103.2, NM_080801.4, NM_080802.4 and 1 more transcripts); c.-88+1G>T (NM_001368886.1); c.477+1G>T (NM_001368883.1, NM_001368885.1); c.400-6902G>T (NM_080805.4, NM_001368897.1); c.423+1G>T (NM_001368895.1); c.373-6902G>T (NM_001368898.1, NM_080798.4, NM_001368896.1).
Identifiers: ClinVar variation 2007345 (VCV002007345.4), dbSNP rs2060029845, ClinGen allele CA376930952.
Genomic context (GRCh38, chr10:69,880,554, plus strand): 5'-TCCCCGCAGGGGTCCCCCGGAGACGCTGGGCTGTCCATCATTGGTCCCCGCGGCCCCCCT[G>T]TAAGTTGTTTTTGCTCTTCCTCGGGGTGTTGGGGGGATGGGTGAGTTGATGAAAAGGGCT-3'

ClinVar aggregate classification (germline): Likely pathogenic (1 of 4 stars; one submission).

Submission:

Labcorp Genetics (formerly Invitae), Labcorp
Classification: Likely pathogenic. Last evaluated: 2022-06-22. Review status: criteria provided, single submitter. Criteria: Invitae Variant Classification Sherloc (09022015). Collection method: clinical testing. Allele origin: germline.
Comment: In summary, the currently available evidence indicates that the variant is pathogenic, but additional data are needed to prove that conclusively. Therefore, this variant has been classified as Likely Pathogenic. Algorithms developed to predict the effect of sequence changes on RNA splicing suggest that this variant may disrupt the consensus splice site. This variant has not been reported in the literature in individuals affected with COL13A1-related conditions. This variant is not present in population databases (gnomAD no frequency). This sequence change affects a donor splice site in intron 6 of the COL13A1 gene. It is expected to disrupt RNA splicing. Variants that disrupt the donor or acceptor splice site typically lead to a loss of protein function (PMID: 16199547), and loss-of-function variants in COL13A1 are known to be pathogenic (PMID: 26626625).

Literature cited by the submitters: PubMed 16199547; PubMed 26626625.